The following is an entry in ClinVar:

NM_014049.5(ACAD9):c.1278+107G>A

Gene: ACAD9 (acyl-CoA dehydrogenase family member 9; plus strand). Cytogenetic location: 3q21.3.
Variant type: single nucleotide variant.
Coding change: c.1278+107G>A on transcript NM_014049.5 (MANE Select); 107 bases into the intron after coding-DNA position 1278, G replaced by A.
Molecular consequence: intron variant.
Genome position (GRCh38, 1-based): chr3:128,906,356, G>A. VCF-style: chr3-128906356-G-A. GRCh37 (hg19) VCF-style: chr3-128625199-G-A.
Identifiers: ClinVar variation 676561 (VCV000676561.2), dbSNP rs7652449, ClinGen allele CA11537849.

ClinVar aggregate classification (germline): Benign. Review status: criteria provided, multiple submitters, no conflicts (2 of 4 stars). 2 submissions from 2 submitters: Benign (2). Last evaluated 2018-06-14.

Allele frequency attached by ClinVar (database versions not stated): gnomAD 0.04648 and 0.04819; TOPMed 0.04808; 1000 Genomes Project 0.07728; 1000 Genomes Project 30x 0.07823.
gnomAD v4.1: 35,772 of 1,541,888 alleles (2.3%); highest among the groups gnomAD compares: African/African-American, 12%; 1,341 homozygotes.

Submissions (2):

GeneDx
Classification: Benign. Last evaluated: 2018-06-14. Review status: criteria provided, single submitter. Criteria: GeneDx Variant Classification (06012015). Collection method: clinical testing. Allele origin: germline. Affected: yes.
Comment: This variant is considered likely benign or benign based on one or more of the following criteria: it is a conservative change, it occurs at a poorly conserved position in the protein, it is predicted to be benign by multiple in silico algorithms, and/or has population frequency not consistent with disease.

Breakthrough Genomics
Classification: Benign. Review status: criteria provided, single submitter. Criteria: ACMG Guidelines, 2015. Collection method: not provided. Allele origin: germline. Inheritance: Autosomal recessive inheritance. Affected: yes.